The following is an entry in ClinVar:

NM_032119.4(ADGRV1):c.3671C>T (p.Thr1224Ile)

Gene: ADGRV1 (adhesion G protein-coupled receptor V1; plus strand). Cytogenetic location: 5q14.3.
Variant type: single nucleotide variant.
Coding change: c.3671C>T on transcript NM_032119.4 (MANE Select); coding-DNA position 3671, C replaced by T.
Protein change: p.Thr1224Ile; replaces threonine 1224 with isoleucine.
Molecular consequence: missense variant. On other transcripts: non-coding transcript variant (1).
Genome position (GRCh38, 1-based): chr5:90,653,245, C>T. VCF-style: chr5-90653245-C-T. GRCh37 (hg19) VCF-style: chr5-89949062-C-T.
Other names: short protein forms T1224I.
Identifiers: ClinVar variation 1060631 (VCV001060631.14), dbSNP rs554285146, ClinGen allele CA3339228.

ClinVar aggregate classification (germline): Conflicting classifications of pathogenicity. Review status: criteria provided, conflicting classifications (1 of 4 stars). 5 submissions from 5 submitters: Uncertain significance (4); Likely benign (1). Last evaluated 2026-07-28.

Conditions:
ADGRV1-related disorder. Also called: ADGRV1-related condition; ADGRV1-related disorders.
Inborn genetic diseases. Identifiers: MedGen C0950123, MeSH D030342.

Allele frequency attached by ClinVar (database versions not stated): gnomAD exomes 0.00002; ExAC 0.00003; gnomAD 0.00013 and 0.00015; 1000 Genomes Project 30x 0.00016; TOPMed 0.00018; 1000 Genomes Project 0.00020.
gnomAD v4.1: 54 of 1,612,652 alleles (0.0033%); highest among the groups gnomAD compares: African/African-American, 0.041%; no homozygotes.

Submissions (5):

GeneDx
Classification: Uncertain significance. Last evaluated: 2026-07-28. Review status: criteria provided, single submitter. Criteria: GeneDx Variant Classification Process June 2021. Collection method: clinical testing. Allele origin: germline.
Comment: In silico analysis supports that this missense variant has a deleterious effect on protein structure/function; Has not been previously published as pathogenic or benign to our knowledge

Labcorp Genetics (formerly Invitae), Labcorp
Classification: Likely benign. Last evaluated: 2026-01-09. Review status: criteria provided, single submitter. Criteria: Invitae Variant Classification Sherloc (09022015). Collection method: clinical testing. Allele origin: germline.

PreventionGenetics, part of Exact Sciences
Classification: Uncertain significance for ADGRV1-related condition. Last evaluated: 2025-03-24. Review status: criteria provided, single submitter. Criteria: ACMG Guidelines, 2015. Collection method: clinical testing. Allele origin: germline.
Comment: The ADGRV1 c.3671C>T variant is predicted to result in the amino acid substitution p.Thr1224Ile. To our knowledge, this variant has not been reported in the literature. This variant is reported in 0.017% of alleles in individuals of African descent in gnomAD. At this time, the clinical significance of this variant is uncertain due to the absence of conclusive functional and genetic evidence.

Ambry Genetics
Classification: Uncertain significance for Inborn genetic diseases. Last evaluated: 2024-08-19. Review status: criteria provided, single submitter. Criteria: Ambry Variant Classification Scheme 2023. Collection method: clinical testing. Allele origin: germline.

Blueprint Genetics
Classification: Uncertain significance. Last evaluated: 2020-04-30. Review status: criteria provided, single submitter. Criteria: ACMG Guidelines, 2015. Collection method: clinical testing. Allele origin: germline.